The following is an entry in ClinVar:

ClinVar aggregate classification (germline): Uncertain significance (1 of 4 stars; one submission).

Submission:

CeGaT Center for Human Genetics Tuebingen
Classification: Uncertain significance. Last evaluated: 2023-08-01. Review status: criteria provided, single submitter. Criteria: CeGaT Center For Human Genetics Tuebingen Variant Classification Criteria Version 2. Collection method: clinical testing. Allele origin: germline. Affected: yes. Observed: 1 variant allele.
Comment: NDUFB11: PM2, BP4

NM_001135998.3(NDUFB11):c.124G>T (p.Ala42Ser)

Gene: NDUFB11 (NADH:ubiquinone oxidoreductase subunit B11; minus strand). Cytogenetic location: Xp11.3.
Variant type: single nucleotide variant.
Coding change: c.124G>T on transcript NM_001135998.3 (MANE Select); coding-DNA position 124, G replaced by T.
Protein change: p.Ala42Ser; replaces alanine 42 with serine.
Molecular consequence: missense variant.
Genome position (GRCh38, 1-based): chrX:47,144,556, C>A on the plus strand (G>T on the coding strand, the complement: NDUFB11 is on the minus strand). VCF-style: chrX-47144556-C-A. GRCh37 (hg19) VCF-style: chrX-47003955-C-A.
Other names: c.124G>T, p.Ala42Ser (NM_019056.7); short protein forms A42S.
Identifiers: ClinVar variation 2660396 (VCV002660396.24), dbSNP rs376676929, ClinGen allele CA412781942.
Genomic context (GRCh38, chrX:47,144,556, plus strand): 5'-CGGGTTCTGGGTCCTCTTGCCACGGTGTGGTCGGTTCTGGGGGCCGCTTTCCCGCCACAG[C>A]GGACGGGGCGACCACAGTCCTGGAGAAGCTAGATTCCCAGCGGACGCGGGCGGCCGGGAG-3'
Protein context (NP_001129470.1, residues 32-52): SFSRTVVAPS[Ala42Ser]VAGKRPPEPT